The following is an entry in ClinVar:

NM_000284.4(PDHA1):c.*844A>G

Genes: MAP3K15 (mitogen-activated protein kinase kinase kinase 15; minus strand), PDHA1 (pyruvate dehydrogenase E1 subunit alpha 1; plus strand). Cytogenetic location: Xp22.12.
Variant type: single nucleotide variant.
Coding change: c.*844A>G on transcript NM_000284.4 (MANE Select); 844 bases downstream of the stop codon, A replaced by G.
Molecular consequence: 3 prime UTR variant.
Genome position (GRCh38, 1-based): chrX:19,360,497, A>G. VCF-style: chrX-19360497-A-G. GRCh37 (hg19) VCF-style: chrX-19378615-A-G.
Other names: c.*252T>C (NM_001001671.4); c.*844A>G (NM_001173454.2, NM_001173455.2, NM_001173456.2).
Identifiers: ClinVar variation 914464 (VCV000914464.5), dbSNP rs1042453, ClinGen allele CA327032184.

ClinVar aggregate classification (germline): Benign. Review status: criteria provided, multiple submitters, no conflicts (2 of 4 stars). 2 submissions from 2 submitters: Benign (2). Last evaluated 2018-01-13.

Conditions:
Pyruvate dehydrogenase E1-alpha deficiency (PDHAD). Also called: ATAXIA, INTERMITTENT, WITH PYRUVATE DEHYDROGENASE DEFICIENCY; ATAXIA WITH LACTIC ACIDOSIS I; ATAXIA, INTERMITTENT, WITH ABNORMAL PYRUVATE METABOLISM; Ataxia, intermittent, with pyruvate dehydrogenase, or decarboxylase, deficiency. Identifiers: Orphanet 79243, MedGen C1839413, MONDO:0010717, OMIM 312170.

Allele frequency attached by ClinVar (database versions not stated): gnomAD exomes 0.06885; gnomAD 0.21759 and 0.22833; TOPMed 0.24385; 1000 Genomes Project 0.24689; 1000 Genomes Project 30x 0.25515.
gnomAD v4.1: 36,231 of 282,893 alleles (13%); highest among the groups gnomAD compares: African/African-American, 65%; 6,084 homozygotes.

Submissions (2):

Illumina Laboratory Services, Illumina
Classification: Benign for Pyruvate dehydrogenase E1-alpha deficiency. Last evaluated: 2018-01-13. Review status: criteria provided, single submitter. Criteria: ICSL Variant Classification Criteria 13 December 2019. Collection method: clinical testing. Allele origin: germline.
Comment: This variant was observed in the ICSL laboratory as part of a predisposition screen in an ostensibly healthy population. It had not been previously curated by ICSL or reported in the Human Gene Mutation Database (HGMD: prior to June 1st, 2018), and was therefore a candidate for classification through an automated scoring system. Utilizing variant allele frequency, disease prevalence and penetrance estimates, and inheritance mode, an automated score was calculated to assess if this variant is too frequent to cause the disease. Based on the score and internal cut-off values, a variant classified as benign is not then subjected to further curation. The score for this variant resulted in a classification of benign for this disease.

Breakthrough Genomics
Classification: Benign. Review status: criteria provided, single submitter. Criteria: ACMG Guidelines, 2015. Collection method: not provided. Allele origin: germline. Inheritance: X-linked inheritance. Affected: yes.